The following is an entry in ClinVar:

NM_021803.4(IL21):c.*3A>C

Gene: IL21 (interleukin 21; minus strand). Cytogenetic location: 4q27.
Variant type: single nucleotide variant.
Coding change: c.*3A>C on transcript NM_021803.4 (MANE Select); 3 bases downstream of the stop codon, A replaced by C.
Molecular consequence: 3 prime UTR variant.
Genome position (GRCh38, 1-based): chr4:122,612,707, T>G on the plus strand (A>C on the coding strand, the complement: IL21 is on the minus strand). VCF-style: chr4-122612707-T-G. GRCh37 (hg19) VCF-style: chr4-123533862-T-G.
Other names: c.*120A>C (NM_001207006.3).
Identifiers: ClinVar variation 3055532 (VCV003055532.4), dbSNP rs117127666, ClinGen allele CA3069083.

ClinVar aggregate classification (germline): Benign. Review status: criteria provided, multiple submitters, no conflicts (2 of 4 stars). 3 submissions from 3 submitters: Benign (2). 1 of the submissions does not count toward it. Last evaluated 2026-03-30.

Conditions:
IL21-related disorder. Also called: IL21-related condition.

Allele frequency attached by ClinVar (database versions not stated): ESP Exome Variant Server 0.00015; TOPMed 0.00133; gnomAD exomes 0.00161; gnomAD 0.00253; ExAC 0.00367; 1000 Genomes Project 30x 0.00640; 1000 Genomes Project 0.00759.
gnomAD v4.1: 2,851 of 1,600,320 alleles (0.18%); highest among the groups gnomAD compares: East Asian, 1.7%; 34 homozygotes.

Submissions (3):

Women's Health and Genetics/Laboratory Corporation of America, LabCorp
Classification: Benign. Last evaluated: 2026-03-30. Review status: criteria provided, single submitter. Criteria: LabCorp Variant Classification Summary - May 2015. Collection method: clinical testing. Allele origin: germline.

Mayo Clinic Laboratories, Mayo Clinic
Classification: Benign. Last evaluated: 2019-06-13. Review status: criteria provided, single submitter. Criteria: ACMG Guidelines, 2015. Collection method: clinical testing. Allele origin: germline. Observed: 2 variant alleles.

PreventionGenetics, part of Exact Sciences
Classification: Benign for IL21-related condition. Last evaluated: 2019-09-30. Review status: no assertion criteria provided. Collection method: clinical testing. Allele origin: germline. Not counted in ClinVar's aggregate classification.
Comment: This variant is classified as benign based on ACMG/AMP sequence variant interpretation guidelines (Richards et al. 2015 PMID: 25741868, with internal and published modifications).